The following is an entry in ClinVar:

NM_015335.5(MED13L):c.2249G>A (p.Gly750Glu)

Gene: MED13L (mediator complex subunit 13L; minus strand). Cytogenetic location: 12q24.21.
Variant type: single nucleotide variant.
Coding change: c.2249G>A on transcript NM_015335.5 (MANE Select); coding-DNA position 2249, G replaced by A.
Protein change: p.Gly750Glu; replaces glycine 750 with glutamic acid.
Molecular consequence: missense variant.
Genome position (GRCh38, 1-based): chr12:116,006,401, C>T on the plus strand (G>A on the coding strand, the complement: MED13L is on the minus strand). VCF-style: chr12-116006401-C-T. GRCh37 (hg19) VCF-style: chr12-116444206-C-T.
Other names: short protein forms G750E.
Identifiers: ClinVar variation 3368887 (VCV003368887.1).
Genomic context (GRCh38, chr12:116,006,401, plus strand): 5'-TTTTTCCCATCAGGCACCGGCGTGGAATGACCTGGTGTAGTGACATCCTTGGTACCAAAT[C>T]CATCCTCTGACTGTATAATAAATTCAGCCAAACAAAACACATGAACACCAACCCAAAGTG-3'
Protein context (NP_056150.1, residues 740-760): DSLKKNKSED[Gly750Glu]FGTKDVTTPG

ClinVar aggregate classification (germline): Uncertain significance (1 of 4 stars; one submission).

gnomAD v4.1: 27 of 1,613,620 alleles (0.0017%); highest among the groups gnomAD compares: Non-Finnish European, 0.0023%; no homozygotes.

Submission:

GeneDx
Classification: Uncertain significance. Last evaluated: 2024-02-08. Review status: criteria provided, single submitter. Criteria: GeneDx Variant Classification Process June 2021. Collection method: clinical testing. Allele origin: germline. Affected: yes.
Comment: In silico analysis supports that this missense variant does not alter protein structure/function; Has not been previously published as pathogenic or benign to our knowledge